The following is an entry in ClinVar:

ClinVar aggregate classification (germline): Pathogenic (1 of 4 stars; one submission).

Conditions:
Propionic acidemia (PROP). Also called: GLYCINEMIA, KETOTIC; HYPERGLYCINEMIA WITH KETOACIDOSIS AND LEUKOPENIA; KETOTIC HYPERGLYCINEMIA. Identifiers: Orphanet 35, MedGen C0268579, MONDO:0011628, OMIM 606054, HP:0003571.

Submission:

Labcorp Genetics (formerly Invitae), Labcorp
Classification: Pathogenic for Propionic acidemia. Last evaluated: 2022-05-25. Review status: criteria provided, single submitter. Criteria: Invitae Variant Classification Sherloc (09022015). Collection method: clinical testing. Allele origin: germline.
Comment: This variant is a gross deletion of the genomic region encompassing exon(s) 17-19 of the PCCA gene. This deletion is out-of-frame, and is expected to create a premature termination codon and result in an absent or disrupted protein product. Loss-of-function variants in PCCA are known to be pathogenic (PMID: 15464417). A similar copy number variant has been observed in individual(s) with propionic acidemia (PMID: 18790721). It has also been observed to segregate with disease in related individuals. For these reasons, this variant has been classified as Pathogenic.

Literature cited by the submitters: PubMed 15464417; PubMed 18790721.

NC_000013.11:g.(?_100330541)_(100368594_?)del

Genes: PCCA (propionyl-CoA carboxylase subunit alpha; plus strand), LOC124946329 (Sharpr-MPRA regulatory region 7114; plus strand). Cytogenetic location: 13q32.3.
Variant type: Deletion.
Identifiers: ClinVar variation 650714 (VCV000650714.2).